The following is an entry in ClinVar:

NM_006206.6(PDGFRA):c.541A>C (p.Thr181Pro)

Gene: PDGFRA (platelet derived growth factor receptor alpha; plus strand). Cytogenetic location: 4q12.
Variant type: single nucleotide variant.
Coding change: c.541A>C on transcript NM_006206.6 (MANE Select); coding-DNA position 541, A replaced by C.
Protein change: p.Thr181Pro; replaces threonine 181 with proline.
Molecular consequence: missense variant.
Genome position (GRCh38, 1-based): chr4:54,263,840, A>C. VCF-style: chr4-54263840-A-C. GRCh37 (hg19) VCF-style: chr4-55130007-A-C.
Other names: c.541A>C, p.Thr181Pro (NM_001347827.2, NM_001347829.2); c.616A>C, p.Thr206Pro (NM_001347828.2); c.580A>C, p.Thr194Pro (NM_001347830.2); short protein forms T194P, T206P, T181P.
Identifiers: ClinVar variation 1747409 (VCV001747409.4), dbSNP rs1722888310, ClinGen allele CA356890049.

ClinVar aggregate classification (germline): Uncertain significance. Review status: criteria provided, multiple submitters, no conflicts (2 of 4 stars). 2 submissions from 2 submitters: Uncertain significance (2). Last evaluated 2024-09-25.

Conditions:
Hereditary cancer-predisposing syndrome. Also called: Neoplastic Syndromes, Hereditary; Tumor predisposition; Hereditary Cancer Syndrome; Hereditary neoplastic syndrome. Identifiers: Orphanet 140162, MedGen C0027672, MeSH D009386, MONDO:0015356.
Gastrointestinal stromal tumor. Also called: Gastrointestinal stromal tumor, somatic; Gastrointestinal stroma tumor. Identifiers: Orphanet 44890, MedGen C0238198, MeSH D046152, MONDO:0011719, OMIM 606764, HP:0100723.

Submissions (2):

Labcorp Genetics (formerly Invitae), Labcorp
Classification: Uncertain significance for Gastrointestinal stromal tumor. Last evaluated: 2024-09-25. Review status: criteria provided, single submitter. Criteria: Invitae Variant Classification Sherloc (09022015). Collection method: clinical testing. Allele origin: germline.
Comment: This sequence change replaces threonine, which is neutral and polar, with proline, which is neutral and non-polar, at codon 181 of the PDGFRA protein (p.Thr181Pro). This variant is not present in population databases (gnomAD no frequency). This variant has not been reported in the literature in individuals affected with PDGFRA-related conditions. ClinVar contains an entry for this variant (Variation ID: 1747409). Invitae Evidence Modeling of protein sequence and biophysical properties (such as structural, functional, and spatial information, amino acid conservation, physicochemical variation, residue mobility, and thermodynamic stability) indicates that this missense variant is not expected to disrupt PDGFRA protein function with a negative predictive value of 80%. In summary, the available evidence is currently insufficient to determine the role of this variant in disease. Therefore, it has been classified as a Variant of Uncertain Significance.

Ambry Genetics
Classification: Uncertain significance for Hereditary cancer-predisposing syndrome. Last evaluated: 2021-06-23. Review status: criteria provided, single submitter. Criteria: Ambry Variant Classification Scheme 2023. Collection method: clinical testing. Allele origin: germline.
Comment: The p.T181P variant (also known as c.541A>C), located in coding exon 3 of the PDGFRA gene, results from an A to C substitution at nucleotide position 541. The threonine at codon 181 is replaced by proline, an amino acid with highly similar properties. This amino acid position is conserved. In addition, this alteration is predicted to be tolerated by in silico analysis. Since supporting evidence is limited at this time, the clinical significance of this alteration remains unclear.